The following is an entry in ClinVar:

NM_001166108.2(PALLD):c.1411C>A (p.Gln471Lys)

Gene: PALLD (palladin, cytoskeletal associated protein; plus strand). Cytogenetic location: 4q32.3.
Variant type: single nucleotide variant.
Coding change: c.1411C>A on transcript NM_001166108.2 (MANE Select); coding-DNA position 1411, C replaced by A.
Protein change: p.Gln471Lys; replaces glutamine 471 with lysine.
Molecular consequence: missense variant.
Genome position (GRCh38, 1-based): chr4:168,690,678, C>A. VCF-style: chr4-168690678-C-A. GRCh37 (hg19) VCF-style: chr4-169611829-C-A.
Other names: c.265C>A, p.Gln89Lys (NM_001166109.2); c.1411C>A, p.Gln471Lys (NM_016081.4); short protein forms Q471K, Q89K.
Identifiers: ClinVar variation 1772044 (VCV001772044.2), dbSNP rs2531651427, ClinGen allele CA358795716.
Genomic context (GRCh38, chr4:168,690,678, plus strand): 5'-GCCGTGGCGGAAGGCCAGGTGGTGGTTCTGGAGTGCCGGGTCCGTGGGGCACCCCCTCTG[C>A]AGGTCCAGTGGTTTCGGCAAGGGAGTGAAATCCAAGACTCTCCAGATTTCCGAATTCTAC-3'
Protein context (NP_001159580.1, residues 461-481): ECRVRGAPPL[Gln471Lys]VQWFRQGSEI

ClinVar aggregate classification (germline): Uncertain significance (1 of 4 stars; one submission).

Submission:

Ambry Genetics
Classification: Uncertain significance. Last evaluated: 2022-10-12. Review status: criteria provided, single submitter. Criteria: Ambry Variant Classification Scheme 2023. Collection method: clinical testing. Allele origin: germline.
Comment: The p.Q471K variant (also known as c.1411C>A), located in coding exon 6 of the PALLD gene, results from a C to A substitution at nucleotide position 1411. The glutamine at codon 471 is replaced by lysine, an amino acid with similar properties. This amino acid position is conserved. In addition, this alteration is predicted to be tolerated by in silico analysis. Since supporting evidence is limited at this time, the clinical significance of this alteration remains unclear.